The following is an entry in ClinVar:

NM_001348768.2(HECW2):c.61T>C (p.Tyr21His)

Gene: HECW2 (HECT, C2 and WW domain containing E3 ubiquitin protein ligase 2; minus strand). Cytogenetic location: 2q32.3.
Variant type: single nucleotide variant.
Coding change: c.61T>C on transcript NM_001348768.2 (MANE Select); coding-DNA position 61, T replaced by C.
Protein change: p.Tyr21His; replaces tyrosine 21 with histidine.
Molecular consequence: missense variant.
Genome position (GRCh38, 1-based): chr2:196,433,363, A>G on the plus strand (T>C on the coding strand, the complement: HECW2 is on the minus strand). VCF-style: chr2-196433363-A-G. GRCh37 (hg19) VCF-style: chr2-197298087-A-G.
Other names: c.61T>C, p.Tyr21His (NM_020760.4); short protein forms Y21H.
Identifiers: ClinVar variation 5037381 (VCV005037381.1).

ClinVar aggregate classification (germline): Uncertain significance (1 of 4 stars; one submission).

Submission:

GeneDx
Classification: Uncertain significance. Last evaluated: 2026-04-21. Review status: criteria provided, single submitter. Criteria: GeneDx Variant Classification Process June 2021. Collection method: clinical testing. Allele origin: germline.
Comment: Not observed at significant frequency in large population cohorts (gnomAD); In silico analysis suggests that this missense variant does not alter protein structure/function; Has not been previously published as pathogenic or benign to our knowledge